The following is an entry in ClinVar:

ClinVar aggregate classification (germline): Uncertain significance (1 of 4 stars; one submission).

Allele frequency attached by ClinVar (database versions not stated): gnomAD exomes below 0.00001; TOPMed below 0.00001.
gnomAD v4.1: 1 of 1,597,278 alleles (0.000063%); highest among the groups gnomAD compares: Non-Finnish European, 0.000085%; no homozygotes.

Submission:

Labcorp Genetics (formerly Invitae), Labcorp
Classification: Uncertain significance. Last evaluated: 2022-08-09. Review status: criteria provided, single submitter. Criteria: Invitae Variant Classification Sherloc (09022015). Collection method: clinical testing. Allele origin: germline.
Comment: In summary, the available evidence is currently insufficient to determine the role of this variant in disease. Therefore, it has been classified as a Variant of Uncertain Significance. Algorithms developed to predict the effect of sequence changes on RNA splicing suggest that this variant may disrupt the consensus splice site. Algorithms developed to predict the effect of missense changes on protein structure and function (SIFT, PolyPhen-2, Align-GVGD) all suggest that this variant is likely to be tolerated. ClinVar contains an entry for this variant (Variation ID: 1385167). This variant has not been reported in the literature in individuals affected with ACER3-related conditions. This variant is not present in population databases (gnomAD no frequency). This sequence change replaces leucine, which is neutral and non-polar, with phenylalanine, which is neutral and non-polar, at codon 158 of the ACER3 protein (p.Leu158Phe).

NM_018367.7(ACER3):c.472C>T (p.Leu158Phe)

Gene: ACER3 (alkaline ceramidase 3; plus strand). Cytogenetic location: 11q13.5.
Variant type: single nucleotide variant.
Coding change: c.472C>T on transcript NM_018367.7 (MANE Select); coding-DNA position 472, C replaced by T.
Protein change: p.Leu158Phe; replaces leucine 158 with phenylalanine.
Molecular consequence: missense variant.
Genome position (GRCh38, 1-based): chr11:76,998,796, C>T. VCF-style: chr11-76998796-C-T. GRCh37 (hg19) VCF-style: chr11-76709840-C-T.
Other names: c.361C>T, p.Leu121Phe (NM_001300953.2); c.187C>T, p.Leu63Phe (NM_001300954.2, NM_001300955.2); short protein forms L158F, L63F, L121F.
Identifiers: ClinVar variation 1385167 (VCV001385167.6), dbSNP rs1555019166, ClinGen allele CA381927575.